The following is an entry in ClinVar:

ClinVar aggregate classification (germline): Uncertain significance (1 of 4 stars; one submission).

Conditions:
Hereditary angioedema type 3 (HAE3). Also called: ANGIONEUROTIC EDEMA, HEREDITARY, WITH NORMAL C1 INHIBITOR CONCENTRATION AND FUNCTION; HAE WITH NORMAL C1 INHIBITOR CONCENTRATION AND FUNCTION; ESTROGEN-RELATED HAE; ESTROGEN-SENSITIVE HAE. Identifiers: Orphanet 100054, MedGen C1857728, MONDO:0012526, OMIM 610618.

Submission:

CeMIA
Classification: Uncertain significance for Hereditary angioedema type 3. Review status: criteria provided, single submitter. Criteria: ACMG Guidelines, 2015. Collection method: clinical testing. Allele origin: germline. Affected: no. Observed: 4 variant alleles.
Comment: Bioinformatic analysis by SIFT and PolyPhen2 algorithms predicted this mutation as probably damaging. It was not detected amongst 125,748 exomes and 15,708 genomes of the Genome Aggregation Database (gnomAD), indicating that it is not a common variant. Taking all the above into account and according to ACMG Guidelines (Criteria: PM2, PP3, BS2) the variant is considered as of uncertain significance.

NM_000505.4(F12):c.1530G>C (p.Glu510Asp)

Gene: F12 (coagulation factor XII; minus strand). Cytogenetic location: 5q35.3.
Variant type: single nucleotide variant.
Coding change: c.1530G>C on transcript NM_000505.4 (MANE Select); coding-DNA position 1530, G replaced by C.
Protein change: p.Glu510Asp; replaces glutamic acid 510 with aspartic acid.
Molecular consequence: missense variant.
Genome position (GRCh38, 1-based): chr5:177,403,255, C>G on the plus strand (G>C on the coding strand, the complement: F12 is on the minus strand). VCF-style: chr5-177403255-C-G. GRCh37 (hg19) VCF-style: chr5-176830256-C-G.
Other names: short protein forms E510D.
Identifiers: ClinVar variation 983440 (VCV000983440.2), dbSNP rs1763185944, ClinGen allele CA362322399.